The following is an entry in ClinVar:

NM_001035.3(RYR2):c.4683+246G>A

Gene: RYR2 (ryanodine receptor 2; plus strand). Cytogenetic location: 1q43.
Variant type: single nucleotide variant.
Coding change: c.4683+246G>A on transcript NM_001035.3 (MANE Select); 246 bases into the intron after coding-DNA position 4683, G replaced by A.
Molecular consequence: intron variant.
Genome position (GRCh38, 1-based): chr1:237,602,357, G>A. VCF-style: chr1-237602357-G-A. GRCh37 (hg19) VCF-style: chr1-237765657-G-A.
Identifiers: ClinVar variation 669225 (VCV000669225.1), dbSNP rs3820572, ClinGen allele CA15145998.

ClinVar aggregate classification (germline): Benign (1 of 4 stars; one submission).

Allele frequency attached by ClinVar (database versions not stated): gnomAD 0.19492 and 0.18812; 1000 Genomes Project 30x 0.22970; 1000 Genomes Project 0.23343; TOPMed 0.18282.
gnomAD v4.1: 29,471 of 151,762 alleles (19%); highest among the groups gnomAD compares: East Asian, 47%; 3,284 homozygotes.

Submission:

GeneDx
Classification: Benign. Last evaluated: 2018-06-19. Review status: criteria provided, single submitter. Criteria: GeneDx Variant Classification (06012015). Collection method: clinical testing. Allele origin: germline. Affected: yes.
Comment: This variant is considered likely benign or benign based on one or more of the following criteria: it is a conservative change, it occurs at a poorly conserved position in the protein, it is predicted to be benign by multiple in silico algorithms, and/or has population frequency not consistent with disease.